The following is an entry in ClinVar:

NM_000484.4(APP):c.15G>C (p.Leu5Phe)

Gene: APP (amyloid beta precursor protein; minus strand). Cytogenetic location: 21q21.3.
Variant type: single nucleotide variant.
Coding change: c.15G>C on transcript NM_000484.4 (MANE Select); coding-DNA position 15, G replaced by C.
Protein change: p.Leu5Phe; replaces leucine 5 with phenylalanine.
Molecular consequence: missense variant. On other transcripts: intron variant (1).
Genome position (GRCh38, 1-based): chr21:26,170,606, C>G on the plus strand (G>C on the coding strand, the complement: APP is on the minus strand). VCF-style: chr21-26170606-C-G. GRCh37 (hg19) VCF-style: chr21-27542924-C-G.
Other names: c.15G>C, p.Leu5Phe (NM_001136129.3, NM_001136130.3, NM_001204301.2 and 5 more transcripts); c.-49+379G>C (NM_001136131.3); short protein forms L5F.
Identifiers: ClinVar variation 3024044 (VCV003024044.3), dbSNP rs2517491839, ClinGen allele CA410167266.

ClinVar aggregate classification (germline): Uncertain significance (1 of 4 stars; one submission).

Conditions:
Alzheimer disease. Also called: Presenile and senile dementia; Alzheimer's disease. Identifiers: Orphanet 1020, MedGen C0002395, MeSH D000544, MONDO:0004975, HP:0002511.

Submission:

Labcorp Genetics (formerly Invitae), Labcorp
Classification: Uncertain significance for Alzheimer disease. Last evaluated: 2023-04-20. Review status: criteria provided, single submitter. Criteria: Invitae Variant Classification Sherloc (09022015). Collection method: clinical testing. Allele origin: germline.
Comment: In summary, the available evidence is currently insufficient to determine the role of this variant in disease. Therefore, it has been classified as a Variant of Uncertain Significance. Advanced modeling of protein sequence and biophysical properties (such as structural, functional, and spatial information, amino acid conservation, physicochemical variation, residue mobility, and thermodynamic stability) performed at Invitae indicates that this missense variant is not expected to disrupt APP protein function. This variant has not been reported in the literature in individuals affected with APP-related conditions. This variant is not present in population databases (gnomAD no frequency). This sequence change replaces leucine, which is neutral and non-polar, with phenylalanine, which is neutral and non-polar, at codon 5 of the APP protein (p.Leu5Phe).